The following is an entry in ClinVar:

NM_015474.4(SAMHD1):c.114C>G (p.Leu38=)

Gene: SAMHD1 (SAM and HD domain containing deoxynucleoside triphosphate triphosphohydrolase 1; minus strand). Cytogenetic location: 20q11.23.
Variant type: single nucleotide variant.
Coding change: c.114C>G on transcript NM_015474.4 (MANE Select); coding-DNA position 114, C replaced by G.
Protein change: p.Leu38=; no amino-acid change (leucine 38 retained).
Molecular consequence: synonymous variant.
Genome position (GRCh38, 1-based): chr20:36,951,530, G>C on the plus strand (C>G on the coding strand, the complement: SAMHD1 is on the minus strand). VCF-style: chr20-36951530-G-C. GRCh37 (hg19) VCF-style: chr20-35579933-G-C.
Other names: c.114C>G, p.Leu38= (NM_001363729.2, NM_001363733.2); c.114C>G (NM_015474.3).
Identifiers: ClinVar variation 1140289 (VCV001140289.15), dbSNP rs757642528, ClinGen allele CA9844831.
Genomic context (GRCh38, chr20:36,951,530, plus strand): 5'-GCCACCGCGCCTGAGGAAGGAGCACACCTGCTCCGGACCCCATGTCTTGTAGTCGGGATG[G>C]AGTTCCAGGCCCGGGGACCAGTCTGCCTCTGCGGAAGGGGTGTTTGAGGGGGTTCTCGGG-3'
Protein context (NP_056289.2, residues 28-48): AEADWSPGLE[Leu38=]HPDYKTWGPE

ClinVar aggregate classification (germline): Likely benign. Review status: criteria provided, multiple submitters, no conflicts (2 of 4 stars). 5 submissions from 5 submitters: Likely benign (3). 2 of the submissions do not count toward it. Last evaluated 2026-04-01.

Conditions:
Aicardi Goutieres syndrome (AGS). Also called: Encephalopathy, familial infantile, with calcification of basal ganglia and chronic cerebrospinal fluid lymphocytosis. Identifiers: Orphanet 51, MedGen C0393591, MONDO:0018866.
Aicardi-Goutieres syndrome 5. Identifiers: Orphanet 51, MedGen C2749659, MONDO:0013059, OMIM 612952.
SAMHD1-related disorder. Also called: SAMHD1-related condition.

Allele frequency attached by ClinVar (database versions not stated): ExAC 0.00001; gnomAD exomes 0.00002 and 0.00005; TOPMed 0.00003; gnomAD 0.00005.
gnomAD v4.1: 82 of 1,614,098 alleles (0.0051%); highest among the groups gnomAD compares: Non-Finnish European, 0.0067%; no homozygotes.

Submissions (5):

CeGaT Center for Human Genetics Tuebingen
Classification: Likely benign. Last evaluated: 2026-04-01. Review status: criteria provided, single submitter. Criteria: CeGaT Center For Human Genetics Tuebingen Variant Classification Criteria Version 2. Collection method: clinical testing. Allele origin: germline. Affected: yes. Observed: 1 variant allele.
Comment: SAMHD1: BP4, BP7

Labcorp Genetics (formerly Invitae), Labcorp
Classification: Likely benign for Aicardi-Goutieres syndrome 5. Last evaluated: 2025-12-22. Review status: criteria provided, single submitter. Criteria: Invitae Variant Classification Sherloc (09022015). Collection method: clinical testing. Allele origin: germline.

Blueprint Genetics
Classification: Likely benign. Last evaluated: 2024-02-29. Review status: criteria provided, single submitter. Criteria: ACMG Guidelines, 2015. Collection method: clinical testing. Allele origin: germline.

Natera, Inc.
Classification: Likely benign for Aicardi-Goutieres syndrome. Last evaluated: 2021-08-17. Review status: no assertion criteria provided. Collection method: clinical testing. Allele origin: germline. Not counted in ClinVar's aggregate classification.

PreventionGenetics, part of Exact Sciences
Classification: Likely benign for SAMHD1-related condition. Last evaluated: 2020-09-08. Review status: no assertion criteria provided. Collection method: clinical testing. Allele origin: germline. Not counted in ClinVar's aggregate classification.
Comment: This variant is classified as likely benign based on ACMG/AMP sequence variant interpretation guidelines (Richards et al. 2015 PMID: 25741868, with internal and published modifications).